The following is an entry in ClinVar:

NM_005618.4(DLL1):c.653G>A (p.Gly218Glu)

Gene: DLL1 (delta like canonical Notch ligand 1; minus strand). Cytogenetic location: 6q27.
Variant type: single nucleotide variant.
Coding change: c.653G>A on transcript NM_005618.4 (MANE Select); coding-DNA position 653, G replaced by A.
Protein change: p.Gly218Glu; replaces glycine 218 with glutamic acid.
Molecular consequence: missense variant.
Genome position (GRCh38, 1-based): chr6:170,288,256, C>T on the plus strand (G>A on the coding strand, the complement: DLL1 is on the minus strand). VCF-style: chr6-170288256-C-T. GRCh37 (hg19) VCF-style: chr6-170597344-C-T.
Other names: short protein forms G218E.
Identifiers: ClinVar variation 5000570 (VCV005000570.1).

ClinVar aggregate classification (germline): Uncertain significance (1 of 4 stars; one submission).

Conditions:
DLL1-related disorder. Also called: DLL1-related condition.

Submission:

PreventionGenetics, part of Exact Sciences
Classification: Uncertain significance for DLL1-related condition. Last evaluated: 2025-03-02. Review status: criteria provided, single submitter. Criteria: ACMG Guidelines, 2015. Collection method: clinical testing. Allele origin: germline.
Comment: The DLL1 c.653G>A variant is predicted to result in the amino acid substitution p.Gly218Glu. To our knowledge, this variant has not been reported in the literature or in a large population database (gnomAD), indicating this variant is rare. At this time, the clinical significance of this variant is uncertain due to the absence of conclusive functional and genetic evidence.